The following is an entry in ClinVar:

ClinVar aggregate classification (germline): Likely pathogenic (1 of 4 stars; one submission).

Conditions:
Bethlem myopathy 1A. Also called: Bethlem myopathy 1; MYOPATHY, BENIGN CONGENITAL, WITH CONTRACTURES; Bethlem Muscular Dystrophy. Identifiers: Orphanet 610, MedGen CN029274, MONDO:0024530, OMIM 158810.

Submission:

Labcorp Genetics (formerly Invitae), Labcorp
Classification: Likely pathogenic for Bethlem myopathy 1A. Last evaluated: 2023-04-20. Review status: criteria provided, single submitter. Criteria: Invitae Variant Classification Sherloc (09022015). Collection method: clinical testing. Allele origin: germline.
Comment: This variant has not been reported in the literature in individuals affected with COL6A1-related conditions. In summary, the currently available evidence indicates that the variant is pathogenic, but additional data are needed to prove that conclusively. Therefore, this variant has been classified as Likely Pathogenic. Algorithms developed to predict the effect of sequence changes on RNA splicing suggest that this variant may disrupt the consensus splice site. This variant is not present in population databases (gnomAD no frequency). It is expected to disrupt RNA splicing. Variants that disrupt the donor or acceptor splice site typically lead to a loss of protein function (PMID: 16199547), and loss-of-function variants in COL6A1 are known to be disease-causing for autosomal recessive COL6A1 conditions (PMID: 21280092, 20976770). However, certain variants affecting donor or acceptor splice sites in the triple helical domain of COL6A1 are expected to result in in-frame exon skipping and have been reported to cause autosomal dominant COL6A1-related conditions (PMID: 18366090). It is expected to disrupt RNA splicing. Variants that disrupt the donor or acceptor splice site typically lead to a loss of protein function (PMID: 16199547), and loss-of-function variants in COL6A1 are known to be pathogenic (PMID: 19884007, 20976770).

Literature cited by the submitters: PubMed 16199547; PubMed 21280092; PubMed 20976770; PubMed 18366090; PubMed 19884007.

NM_001848.3(COL6A1):c.1335+2_1335+3del

Gene: COL6A1 (collagen type VI alpha 1 chain; plus strand). Cytogenetic location: 21q22.3.
Variant type: Microsatellite.
Coding change: c.1335+2_1335+3del on transcript NM_001848.3 (MANE Select); the canonical splice donor site of the intron after coding-DNA position 1335 through 3 bases into the intron after coding-DNA position 1335, 2 bases deleted (TG; older notation c.1335+2_1335+3delTG).
Molecular consequence: splice donor variant.
Genome position (GRCh38, 1-based): chr21:45,992,812-45,992,813, TG deleted; deleting any 2 consecutive bases within chr21:45,992,810-45,992,813 gives the same sequence; the c. name uses the placement nearest the transcript's 3' end. VCF-style (leftmost placement, unchanged base first): chr21-45992809-CTG-C. GRCh37 (hg19) VCF-style: chr21-47412723-CTG-C.
Identifiers: ClinVar variation 2790257 (VCV002790257.3), dbSNP rs2526329989, ClinGen allele CA2739267728.